The following is an entry in ClinVar:

NM_001267550.2(TTN):c.62109T>A (p.Tyr20703Ter)

Genes: TTN (titin; minus strand), TTN-AS1 (TTN antisense RNA 1; plus strand). Cytogenetic location: 2q31.2.
Variant type: single nucleotide variant.
Coding change: c.62109T>A on transcript NM_001267550.2 (MANE Select); coding-DNA position 62109, T replaced by A.
Protein change: p.Tyr20703Ter; replaces tyrosine 20703 with a stop codon.
Molecular consequence: nonsense.
Genome position (GRCh38, 1-based): chr2:178,589,616, A>T on the plus strand (T>A on the coding strand, the complement: TTN is on the minus strand). VCF-style: chr2-178589616-A-T. GRCh37 (hg19) VCF-style: chr2-179454343-A-T.
Other names: c.57186T>A, p.Tyr19062Ter (NM_001256850.1); c.34914T>A, p.Tyr11638Ter (NM_003319.4); c.54405T>A, p.Tyr18135Ter (NM_133378.4); c.35289T>A, p.Tyr11763Ter (NM_133432.3); c.35490T>A, p.Tyr11830Ter (NM_133437.4); short protein forms Y11830*, Y18135*, Y11638*, Y11763*, Y19062*, Y20703*.
Identifiers: ClinVar variation 1513853 (VCV001513853.7), dbSNP rs2154183898, ClinGen allele CA349465928.

ClinVar aggregate classification (germline): Likely pathogenic. Review status: criteria provided, multiple submitters, no conflicts (2 of 4 stars). 2 submissions from 2 submitters: Likely pathogenic (2). Last evaluated 2026-02-19.

Conditions:
Autosomal recessive limb-girdle muscular dystrophy type 2J (LGMDR10). Also called: MUSCULAR DYSTROPHY, LIMB-GIRDLE, AUTOSOMAL RECESSIVE 10; Limb-girdle muscular dystrophy, type 2J. Identifiers: Orphanet 140922, MedGen C1837342, MONDO:0012127, OMIM 608807.
Dilated cardiomyopathy 1G (CMD1G). Identifiers: Orphanet 154, MedGen C1858763, MONDO:0011400, OMIM 604145.
Cardiovascular phenotype. Identifiers: MedGen CN230736.

Submissions (2):

Ambry Genetics
Classification: Likely pathogenic for Cardiovascular phenotype. Last evaluated: 2026-02-19. Review status: criteria provided, single submitter. Criteria: Ambry Variant Classification Scheme 2023. Collection method: clinical testing. Allele origin: germline.
Comment: The p.Y11638* variant (also known as c.34914T>A), located in coding exon 131 of the TTN gene, results from a T to A substitution at nucleotide position 34914. This changes the amino acid from a tyrosine to a stop codon within coding exon 131. This exon is located in the A-band region of the N2-B isoform of the titin protein and is constitutively expressed in TTN transcripts (percent spliced in or PSI 100%). This variant is considered to be rare based on population cohorts in the Genome Aggregation Database (gnomAD). This variant is expected to result in loss of function by premature protein truncation or nonsense-mediated mRNA decay. While truncating variants in TTN are present in 1-3% of the general population, truncating variants in the A-band are the most common cause of dilated cardiomyopathy (Herman DS et al. N. Engl. J. Med., 2012 Feb;366:619-28; Roberts AM et al. Sci Transl Med, 2015 Jan;7:270ra6). TTN truncating variants encoded in constitutive exons (PSI >90%) have been found to be significantly associated with DCM regardless of their position in titin (Schafer S et al. Nat. Genet., 2017 01;49:46-53; Akhtar MM et al. Circ Heart Fail, 2020 Oct;13:e006832; Massier M et al. Clin Genet, 2025 Jan). Based on the majority of available evidence to date, this variant is likely to be pathogenic.

Labcorp Genetics (formerly Invitae), Labcorp
Classification: Likely pathogenic for Dilated cardiomyopathy 1G; Autosomal recessive limb-girdle muscular dystrophy type 2J. Last evaluated: 2022-03-18. Review status: criteria provided, single submitter. Criteria: Invitae Variant Classification Sherloc (09022015). Collection method: clinical testing. Allele origin: germline.
Comment: This variant has not been reported in the literature in individuals affected with TTN-related conditions. This variant is located in the A band of TTN (PMID: 25589632). Truncating variants in this region are significantly overrepresented in patients affected with dilated cardiomyopathy (PMID: 25589632). Truncating variants in this region have also been reported in individuals affected with autosomal recessive centronuclear myopathy (PMID: 23975875). This variant is not present in population databases (gnomAD no frequency). This sequence change creates a premature translational stop signal (p.Tyr20703*) in the TTN gene. While this is not anticipated to result in nonsense mediated decay, it is expected to create a truncated TTN protein. In summary, the currently available evidence indicates that the variant is pathogenic, but additional data are needed to prove that conclusively. Therefore, this variant has been classified as Likely Pathogenic.

Literature cited by the submitters: PubMed 25589632 (cited by Labcorp Genetics (formerly Invitae), Labcorp); PubMed 23975875 (cited by Labcorp Genetics (formerly Invitae), Labcorp).